The following is an entry in ClinVar:

ClinVar aggregate classification (germline): Uncertain significance (1 of 4 stars; one submission).

Conditions:
DICER1-related tumor predisposition. Also called: DICER1-related pleuropulmonary blastoma cancer predisposition syndrome; DICER1 syndrome. Identifiers: Orphanet 284343, MedGen C3839822, MONDO:0100216.

Submission:

Labcorp Genetics (formerly Invitae), Labcorp
Classification: Uncertain significance for DICER1-related tumor predisposition. Last evaluated: 2020-06-24. Review status: criteria provided, single submitter. Criteria: Invitae Variant Classification Sherloc (09022015). Collection method: clinical testing. Allele origin: germline.
Comment: In summary, the available evidence is currently insufficient to determine the role of this variant in disease. Therefore, it has been classified as a Variant of Uncertain Significance. Algorithms developed to predict the effect of missense changes on protein structure and function (SIFT, PolyPhen-2, Align-GVGD) all suggest that this variant is likely to be disruptive, but these predictions have not been confirmed by published functional studies and their clinical significance is uncertain. This variant has not been reported in the literature in individuals with DICER1-related disease. This variant is not present in population databases (ExAC no frequency). This sequence change replaces tyrosine with serine at codon 473 of the DICER1 protein (p.Tyr473Ser). The tyrosine residue is highly conserved and there is a large physicochemical difference between tyrosine and serine.

NM_177438.3(DICER1):c.1418A>C (p.Tyr473Ser)

Gene: DICER1 (dicer 1, ribonuclease III; minus strand). Cytogenetic location: 14q32.13.
Variant type: single nucleotide variant.
Coding change: c.1418A>C on transcript NM_177438.3 (MANE Select); coding-DNA position 1418, A replaced by C.
Protein change: p.Tyr473Ser; replaces tyrosine 473 with serine.
Molecular consequence: missense variant.
Genome position (GRCh38, 1-based): chr14:95,117,713, T>G on the plus strand (A>C on the coding strand, the complement: DICER1 is on the minus strand). VCF-style: chr14-95117713-T-G. GRCh37 (hg19) VCF-style: chr14-95584050-T-G.
Other names: c.1418A>C, p.Tyr473Ser (NM_001195573.1, NM_001271282.3, NM_001291628.2 and 1 more transcripts); short protein forms Y473S.
Identifiers: ClinVar variation 543604 (VCV000543604.13), dbSNP rs1314692347, ClinGen allele CA390885615.